The following is an entry in ClinVar:

NM_014712.3(SETD1A):c.5000T>C (p.Val1667Ala)

Gene: SETD1A (SET domain containing 1A, histone lysine methyltransferase; plus strand). Cytogenetic location: 16p11.2.
Variant type: single nucleotide variant.
Coding change: c.5000T>C on transcript NM_014712.3 (MANE Select); coding-DNA position 5000, T replaced by C.
Protein change: p.Val1667Ala; replaces valine 1667 with alanine.
Molecular consequence: missense variant.
Genome position (GRCh38, 1-based): chr16:30,983,899, T>C. VCF-style: chr16-30983899-T-C. GRCh37 (hg19) VCF-style: chr16-30995220-T-C.
Other names: short protein forms V1667A.
Identifiers: ClinVar variation 2504689 (VCV002504689.1), dbSNP rs2543919006, ClinGen allele CA395636831.

ClinVar aggregate classification (germline): Uncertain significance (1 of 4 stars; one submission).

Submission:

GeneDx
Classification: Uncertain significance. Last evaluated: 2022-12-09. Review status: criteria provided, single submitter. Criteria: GeneDx Variant Classification Process June 2021. Collection method: clinical testing. Allele origin: germline. Affected: yes.
Comment: Not observed at significant frequency in large population cohorts (gnomAD); In silico analysis supports that this missense variant has a deleterious effect on protein structure/function; Has not been previously published as pathogenic or benign to our knowledge